The following is an entry in ClinVar:

ClinVar aggregate classification (germline): Benign/Likely benign. Review status: criteria provided, multiple submitters, no conflicts (2 of 4 stars). 9 submissions from 9 submitters: Benign (3); Likely benign (4). 2 of the submissions do not count toward it. Last evaluated 2026-10-01.

Conditions:
Inborn genetic diseases. Identifiers: MedGen C0950123, MeSH D030342.
Fanconi anemia (FA). Also called: Fanconi's anemia. Identifiers: Orphanet 84, MedGen C0015625, MeSH D005199, MONDO:0019391.
Fanconi anemia complementation group A (FANCA). Also called: FANCA-Related Fanconi Anemia; Fanconi anemia, group A. Identifiers: Orphanet 84, MedGen C3469521, MONDO:0009215, OMIM 227650.
FANCA-related disorder. Also called: FANCA-related condition.

Allele frequency attached by ClinVar (database versions not stated): gnomAD exomes 0.00012 and 0.00031; ExAC 0.00036; ESP Exome Variant Server 0.00108; 1000 Genomes Project 30x 0.00125; 1000 Genomes Project 0.00140; gnomAD 0.00158 and 0.00172; TOPMed 0.00180.
gnomAD v4.1: 444 of 1,614,252 alleles (0.028%); highest among the groups gnomAD compares: African/African-American, 0.47%; 3 homozygotes.

Submissions (9):

CeGaT Center for Human Genetics Tuebingen
Classification: Likely benign. Last evaluated: 2026-10-01. Review status: criteria provided, single submitter. Criteria: CeGaT Center For Human Genetics Tuebingen Variant Classification Criteria Version 2. Collection method: clinical testing. Allele origin: germline. Affected: yes. Observed: 3 variant alleles.
Comment: FANCA: BP4, BP7

Labcorp Genetics (formerly Invitae), Labcorp
Classification: Benign for Fanconi anemia. Last evaluated: 2026-01-31. Review status: criteria provided, single submitter. Criteria: Invitae Variant Classification Sherloc (09022015). Collection method: clinical testing. Allele origin: germline.

Quest Diagnostics Nichols Institute San Juan Capistrano
Classification: Benign. Last evaluated: 2025-11-07. Review status: criteria provided, single submitter. Criteria: Quest Diagnostics criteria. Collection method: clinical testing. Allele origin: unknown.

Ambry Genetics
Classification: Likely benign for Inborn genetic diseases. Last evaluated: 2024-10-04. Review status: criteria provided, single submitter. Criteria: Ambry Variant Classification Scheme 2023. Collection method: clinical testing. Allele origin: germline.

Blueprint Genetics
Classification: Likely benign. Last evaluated: 2024-08-06. Review status: criteria provided, single submitter. Criteria: ACMG Guidelines, 2015. Collection method: clinical testing. Allele origin: germline.

Sema4
Classification: Benign for Fanconi anemia. Last evaluated: 2020-10-23. Review status: criteria provided, single submitter. Criteria: Sema4 Curation Guidelines. Collection method: curation. Allele origin: germline.

Genetic Services Laboratory, University of Chicago
Classification: Likely benign. Last evaluated: 2019-06-26. Review status: criteria provided, single submitter. Criteria: ACMG Guidelines, 2015. Collection method: clinical testing. Allele origin: germline. Affected: no.

Natera, Inc.
Classification: Benign for Fanconi anemia, group A. Last evaluated: 2020-09-16. Review status: no assertion criteria provided. Collection method: clinical testing. Allele origin: germline. Not counted in ClinVar's aggregate classification.

PreventionGenetics, part of Exact Sciences
Classification: Likely benign for FANCA-related condition. Last evaluated: 2019-10-11. Review status: no assertion criteria provided. Collection method: clinical testing. Allele origin: germline. Not counted in ClinVar's aggregate classification.
Comment: This variant is classified as likely benign based on ACMG/AMP sequence variant interpretation guidelines (Richards et al. 2015 PMID: 25741868, with internal and published modifications).

NM_000135.4(FANCA):c.3198T>C (p.Ala1066=)

Gene: FANCA (FA complementation group A; minus strand). Cytogenetic location: 16q24.3.
Variant type: single nucleotide variant.
Coding change: c.3198T>C on transcript NM_000135.4 (MANE Select); coding-DNA position 3198, T replaced by C.
Protein change: p.Ala1066=; no amino-acid change (alanine 1066 retained).
Molecular consequence: synonymous variant.
Genome position (GRCh38, 1-based): chr16:89,749,771, A>G on the plus strand (T>C on the coding strand, the complement: FANCA is on the minus strand). VCF-style: chr16-89749771-A-G. GRCh37 (hg19) VCF-style: chr16-89816179-A-G.
Other names: c.3198T>C (NM_000135.3); c.3198T>C, p.Ala1066= (NM_001286167.3).
Identifiers: ClinVar variation 696565 (VCV000696565.26), dbSNP rs17227071, ClinGen allele CA8251300.
Genomic context (GRCh38, chr16:89,749,771, plus strand): 5'-AGGTGGTAGTAGGTGTTACCGTTTGTACATTAGCAGCTCCCTCTGTCTCTGAAGGCTGGC[A>G]GCCACGCTCCACCCGCTTGTCAGAGCCTGGAGCCGTCTGCGGAAAATCTCAAAGAGGAAG-3'
Protein context (NP_000126.2, residues 1056-1076): LQALTSGWSV[Ala1066=]ASLQRQRELL